The following is an entry in ClinVar:

NM_031935.3(HMCN1):c.10592G>A (p.Gly3531Glu)

Gene: HMCN1 (hemicentin 1; plus strand). Cytogenetic location: 1q31.1.
Variant type: single nucleotide variant.
Coding change: c.10592G>A on transcript NM_031935.3 (MANE Select); coding-DNA position 10592, G replaced by A.
Protein change: p.Gly3531Glu; replaces glycine 3531 with glutamic acid.
Molecular consequence: missense variant.
Genome position (GRCh38, 1-based): chr1:186,103,490, G>A. VCF-style: chr1-186103490-G-A. GRCh37 (hg19) VCF-style: chr1-186072622-G-A.
Other names: c.10592G>A (NM_031935.2); short protein forms G3531E.
Identifiers: ClinVar variation 1429765 (VCV001429765.30), dbSNP rs752255369, ClinGen allele CA1293775.

ClinVar aggregate classification (germline): Conflicting classifications of pathogenicity. Review status: criteria provided, conflicting classifications (1 of 4 stars). 3 submissions from 3 submitters: Uncertain significance (2); Likely benign (1). Last evaluated 2026-01-01.

Allele frequency attached by ClinVar (database versions not stated): TOPMed 0.00002; gnomAD 0.00003 and 0.00004; gnomAD exomes 0.00004 and 0.00010; ExAC 0.00012.
gnomAD v4.1: 75 of 1,612,844 alleles (0.0047%); highest among the groups gnomAD compares: Middle Eastern, 0.049%; no homozygotes.

Submissions (3):

CeGaT Center for Human Genetics Tuebingen
Classification: Likely benign. Last evaluated: 2026-01-01. Review status: criteria provided, single submitter. Criteria: CeGaT Center For Human Genetics Tuebingen Variant Classification Criteria Version 2. Collection method: clinical testing. Allele origin: germline. Affected: yes. Observed: 3 variant alleles.
Comment: HMCN1: BP4, BS1

Labcorp Genetics (formerly Invitae), Labcorp
Classification: Uncertain significance. Last evaluated: 2025-08-12. Review status: criteria provided, single submitter. Criteria: Invitae Variant Classification Sherloc (09022015). Collection method: clinical testing. Allele origin: germline.
Comment: This sequence change replaces glycine, which is neutral and non-polar, with glutamic acid, which is acidic and polar, at codon 3531 of the HMCN1 protein (p.Gly3531Glu). This variant is present in population databases (rs752255369, gnomAD 0.06%), and has an allele count higher than expected for a pathogenic variant. This variant has not been reported in the literature in individuals affected with HMCN1-related conditions. ClinVar contains an entry for this variant (Variation ID: 1429765). An algorithm developed to predict the effect of missense changes on protein structure and function (PolyPhen-2) suggests that this variant is likely to be disruptive. In summary, the available evidence is currently insufficient to determine the role of this variant in disease. Therefore, it has been classified as a Variant of Uncertain Significance.

Ambry Genetics
Classification: Uncertain significance. Last evaluated: 2023-10-05. Review status: criteria provided, single submitter. Criteria: Ambry Variant Classification Scheme 2023. Collection method: clinical testing. Allele origin: germline.